The following is an entry in ClinVar:

ClinVar aggregate classification (germline): Uncertain significance (1 of 4 stars; one submission).

Allele frequency attached by ClinVar (database versions not stated): TOPMed below 0.00001.
gnomAD v4.1: 1 of 1,614,064 alleles (0.000062%); highest among the groups gnomAD compares: African/African-American, 0.0013%; no homozygotes.

Submission:

GeneDx
Classification: Uncertain significance. Last evaluated: 2020-09-24. Review status: criteria provided, single submitter. Criteria: GeneDx Variant Classification Process June 2021. Collection method: clinical testing. Allele origin: germline. Affected: yes.
Comment: Not observed in large population cohorts (Lek et al., 2016); In silico analysis, which includes protein predictors and evolutionary conservation, supports that this variant does not alter protein structure/function; Has not been previously published as pathogenic or benign to our knowledge

NM_001378120.1(MBD5):c.4535G>T (p.Arg1512Ile)

Gene: MBD5 (methyl-CpG binding domain protein 5; plus strand). Cytogenetic location: 2q23.1.
Variant type: single nucleotide variant.
Coding change: c.4535G>T on transcript NM_001378120.1 (MANE Select); coding-DNA position 4535, G replaced by T.
Protein change: p.Arg1512Ile; replaces arginine 1512 with isoleucine.
Molecular consequence: missense variant.
Genome position (GRCh38, 1-based): chr2:148,490,167, G>T. VCF-style: chr2-148490167-G-T. GRCh37 (hg19) VCF-style: chr2-149247736-G-T.
Other names: c.3836G>T, p.Arg1279Ile (NM_018328.5); short protein forms R1279I, R1512I.
Identifiers: ClinVar variation 1303384 (VCV001303384.2), dbSNP rs1681477641, ClinGen allele CA348729479.